The following is an entry in ClinVar:

NM_001042492.3(NF1):c.8155del (p.Ser2719fs)

Gene: NF1 (neurofibromin 1; plus strand). Cytogenetic location: 17q11.2.
Variant type: Deletion.
Coding change: c.8155del on transcript NM_001042492.3 (MANE Select); coding-DNA position 8155, one base deleted (T; older notation c.8155delT).
Protein change: p.Ser2719fs; shifts the reading frame from serine 2719.
Molecular consequence: frameshift variant.
Genome position (GRCh38, 1-based): chr17:31,359,010, T deleted; the last of 4 consecutive T bases (chr17:31,359,007-31,359,010); deleting any one gives the same sequence. VCF-style (leftmost placement, unchanged base first): chr17-31359006-GT-G. GRCh37 (hg19) VCF-style: chr17-29686024-GT-G.
Other names: c.8092delT, p.Ser2698Glnfs (NM_000267.4); short protein forms S2698fs, S2719fs.
Identifiers: ClinVar variation 1406839 (VCV001406839.7), dbSNP rs2151586074, ClinGen allele CA2573153462.

ClinVar aggregate classification (germline): Pathogenic. Review status: criteria provided, multiple submitters, no conflicts (2 of 4 stars). 2 submissions from 2 submitters: Pathogenic (2). Last evaluated 2024-11-12.

Conditions:
NF1-related disorder. Also called: NF1-related condition. Identifiers: MedGen CN379171.
Neurofibromatosis, type 1 (NF1). Also called: Neurofibromatosis, type I; VON RECKLINGHAUSEN DISEASE; NEUROFIBROMATOSIS, TYPE I, SOMATIC; Peripheral type neurofibromatosis. Identifiers: Orphanet 636, MedGen C0027831, MONDO:0018975, OMIM 162200. Disease mechanism: loss of function.

Submissions (2):

PreventionGenetics, part of Exact Sciences
Classification: Pathogenic for NF1-related condition. Last evaluated: 2024-11-12. Review status: criteria provided, single submitter. Criteria: ACMG Guidelines, 2015. Collection method: clinical testing. Allele origin: germline.
Comment: The NF1 c.8155delT variant is predicted to result in a frameshift and premature protein termination (p.Ser2719Glnfs*20). To our knowledge, this variant has not been reported in the literature or in a large population database (gnomAD), indicating this variant is rare. In ClinVar, this variant is interpreted as pathogenic. Frameshift variants in NF1 are expected to be pathogenic. This variant is interpreted as pathogenic.

Labcorp Genetics (formerly Invitae), Labcorp
Classification: Pathogenic for Neurofibromatosis, type 1. Last evaluated: 2021-09-20. Review status: criteria provided, single submitter. Criteria: Invitae Variant Classification Sherloc (09022015). Collection method: clinical testing. Allele origin: germline.
Comment: This variant has not been reported in the literature in individuals affected with NF1-related conditions. For these reasons, this variant has been classified as Pathogenic. This sequence change creates a premature translational stop signal (p.Ser2698Glnfs*20) in the NF1 gene. It is expected to result in an absent or disrupted protein product. Loss-of-function variants in NF1 are known to be pathogenic (PMID: 10712197, 23913538). This variant is not present in population databases (ExAC no frequency).

Literature cited by the submitters: PubMed 10712197 (cited by Labcorp Genetics (formerly Invitae), Labcorp); PubMed 23913538 (cited by Labcorp Genetics (formerly Invitae), Labcorp).